The following is an entry in ClinVar:

NM_001134363.3(RBM20):c.3004C>G (p.Leu1002Val)

Gene: RBM20 (RNA binding motif protein 20; plus strand). Cytogenetic location: 10q25.2.
Variant type: single nucleotide variant.
Coding change: c.3004C>G on transcript NM_001134363.3 (MANE Select); coding-DNA position 3004, C replaced by G.
Protein change: p.Leu1002Val; replaces leucine 1002 with valine.
Molecular consequence: missense variant.
Genome position (GRCh38, 1-based): chr10:110,821,623, C>G. VCF-style: chr10-110821623-C-G. GRCh37 (hg19) VCF-style: chr10-112581381-C-G.
Other names: short protein forms L1002V.
Identifiers: ClinVar variation 179029 (VCV000179029.20), dbSNP rs375355193, ClinGen allele CA183547.

ClinVar aggregate classification (germline): Conflicting classifications of pathogenicity. Review status: criteria provided, conflicting classifications (1 of 4 stars). 4 submissions from 4 submitters: Uncertain significance (2); Likely benign (2). Last evaluated 2026-01-27.

Conditions:
Cardiovascular phenotype. Identifiers: MedGen CN230736.
Dilated cardiomyopathy 1DD (CMD1DD). Identifiers: Orphanet 154, MedGen C2750995, MONDO:0013168, OMIM 613172.

Allele frequency attached by ClinVar (database versions not stated): gnomAD exomes 0.00001; gnomAD 0.00013 and 0.00016; TOPMed 0.00017; ESP Exome Variant Server 0.00022.
gnomAD v4.1: 42 of 1,551,556 alleles (0.0027%); highest among the groups gnomAD compares: African/African-American, 0.051%; 1 homozygote.

Submissions (4):

Labcorp Genetics (formerly Invitae), Labcorp
Classification: Likely benign for Dilated cardiomyopathy 1DD. Last evaluated: 2026-01-27. Review status: criteria provided, single submitter. Criteria: Invitae Variant Classification Sherloc (09022015). Collection method: clinical testing. Allele origin: germline.

Ambry Genetics
Classification: Uncertain significance for Cardiovascular phenotype. Last evaluated: 2024-07-03. Review status: criteria provided, single submitter. Criteria: Ambry Variant Classification Scheme 2023. Collection method: clinical testing. Allele origin: germline.
Comment: The p.L1002V variant (also known as c.3004C>G), located in coding exon 11 of the RBM20 gene, results from a C to G substitution at nucleotide position 3004. The leucine at codon 1002 is replaced by valine, an amino acid with highly similar properties. This amino acid position is well conserved in available vertebrate species. In addition, this alteration is predicted to be tolerated by in silico analysis. Based on the available evidence, the clinical significance of this variant remains unclear.

GeneDx
Classification: Likely benign. Last evaluated: 2021-01-11. Review status: criteria provided, single submitter. Criteria: GeneDx Variant Classification Process June 2021. Collection method: clinical testing. Allele origin: germline. Affected: yes.
Comment: This variant is associated with the following publications: (PMID: 25351510)

Laboratory for Molecular Medicine, Mass General Brigham Personalized Medicine
Classification: Uncertain significance. Last evaluated: 2014-03-19. Review status: criteria provided, single submitter. Criteria: LMM Criteria. Collection method: clinical testing. Allele origin: germline. Observed: 1 variant allele.
Comment: The Leu1002Val variant in RBM20 has not been previously reported in individuals with cardiomyopathy, but has been identified in 1/1384 African American chromoso mes by the NHLBI Exome Sequencing Project. C omputational prediction tools favor a benign role. The affected amino acid is no t well conserved in evolution and 1 mammal (megabat) carries a valine (Val) at t his position, raising the possibility that this change may be tolerated. Additio nal information is needed to fully assess the clinical significance of the varia nt.